The following is an entry in ClinVar:

ClinVar aggregate classification (germline): Uncertain significance (1 of 4 stars; one submission).

Allele frequency attached by ClinVar (database versions not stated): gnomAD 0.00002; gnomAD exomes 0.00002; ExAC 0.00005; 1000 Genomes Project 0.00020; 1000 Genomes Project 30x 0.00031.
gnomAD v4.1: 35 of 1,614,108 alleles (0.0022%); highest among the groups gnomAD compares: South Asian, 0.034%; 1 homozygote.

Submission:

Labcorp Genetics (formerly Invitae), Labcorp
Classification: Uncertain significance. Last evaluated: 2023-03-31. Review status: criteria provided, single submitter. Criteria: Invitae Variant Classification Sherloc (09022015). Collection method: clinical testing. Allele origin: germline.
Comment: In summary, the available evidence is currently insufficient to determine the role of this variant in disease. Therefore, it has been classified as a Variant of Uncertain Significance. An algorithm developed to predict the effect of missense changes on protein structure and function (PolyPhen-2) suggests that this variant is likely to be tolerated. This variant has not been reported in the literature in individuals affected with MCM5-related conditions. This variant is present in population databases (rs577905878, gnomAD 0.04%). This sequence change replaces alanine, which is neutral and non-polar, with valine, which is neutral and non-polar, at codon 21 of the MCM5 protein (p.Ala21Val).

NM_006739.4(MCM5):c.62C>T (p.Ala21Val)

Gene: MCM5 (minichromosome maintenance complex component 5; plus strand). Cytogenetic location: 22q12.3.
Variant type: single nucleotide variant.
Coding change: c.62C>T on transcript NM_006739.4 (MANE Select); coding-DNA position 62, C replaced by T.
Protein change: p.Ala21Val; replaces alanine 21 with valine.
Molecular consequence: missense variant.
Genome position (GRCh38, 1-based): chr22:35,400,500, C>T. VCF-style: chr22-35400500-C-T. GRCh37 (hg19) VCF-style: chr22-35796493-C-T.
Other names: short protein forms A21V.
Identifiers: ClinVar variation 2742690 (VCV002742690.3), dbSNP rs577905878, ClinGen allele CA10204898.